The following is an entry in ClinVar:

NM_005876.5(SPEG):c.8296G>T (p.Val2766Phe)

Genes: ASIC4-AS1 (ASIC4 antisense RNA 1; minus strand), SPEG (striated muscle enriched protein kinase; plus strand). Cytogenetic location: 2q35.
Variant type: single nucleotide variant.
Coding change: c.8296G>T on transcript NM_005876.5 (MANE Select); coding-DNA position 8296, G replaced by T.
Protein change: p.Val2766Phe; replaces valine 2766 with phenylalanine.
Molecular consequence: missense variant.
Genome position (GRCh38, 1-based): chr2:219,489,200, G>T. VCF-style: chr2-219489200-G-T. GRCh37 (hg19) VCF-style: chr2-220353922-G-T.
Other names: short protein forms V2766F.
Identifiers: ClinVar variation 1976904 (VCV001976904.5), dbSNP rs1324713232, ClinGen allele CA350708825.

ClinVar aggregate classification (germline): Uncertain significance (1 of 4 stars; one submission).

Submission:

Labcorp Genetics (formerly Invitae), Labcorp
Classification: Uncertain significance. Last evaluated: 2022-03-18. Review status: criteria provided, single submitter. Criteria: Invitae Variant Classification Sherloc (09022015). Collection method: clinical testing. Allele origin: germline.
Comment: In summary, the available evidence is currently insufficient to determine the role of this variant in disease. Therefore, it has been classified as a Variant of Uncertain Significance. Algorithms developed to predict the effect of missense changes on protein structure and function are either unavailable or do not agree on the potential impact of this missense change (SIFT: "Deleterious"; PolyPhen-2: "Probably Damaging"; Align-GVGD: "Class C0"). This variant has not been reported in the literature in individuals affected with SPEG-related conditions. This variant is not present in population databases (gnomAD no frequency). This sequence change replaces valine, which is neutral and non-polar, with phenylalanine, which is neutral and non-polar, at codon 2766 of the SPEG protein (p.Val2766Phe).